The following is an entry in ClinVar:

ClinVar aggregate classification (germline): Pathogenic (1 of 4 stars; one submission).

Submission:

Labcorp Genetics (formerly Invitae), Labcorp
Classification: Pathogenic. Last evaluated: 2022-09-13. Review status: criteria provided, single submitter. Criteria: Invitae Variant Classification Sherloc (09022015). Collection method: clinical testing. Allele origin: germline.
Comment: This sequence change creates a premature translational stop signal (p.Ser575Leufs*97) in the TNFAIP3 gene. It is expected to result in an absent or disrupted protein product. Loss-of-function variants in TNFAIP3 are known to be pathogenic (PMID: 26642243). This variant is not present in population databases (gnomAD no frequency). This variant has not been reported in the literature in individuals affected with TNFAIP3-related conditions. For these reasons, this variant has been classified as Pathogenic.

Literature cited by the submitters: PubMed 26642243.

NM_001270508.2(TNFAIP3):c.1722dup (p.Ser575fs)

Gene: TNFAIP3 (TNF alpha induced protein 3; plus strand). Cytogenetic location: 6q23.3.
Variant type: Duplication.
Coding change: c.1722dup on transcript NM_001270508.2 (MANE Select); coding-DNA position 1722, one base duplicated (C; older notation c.1722dupC).
Protein change: p.Ser575fs; shifts the reading frame from serine 575.
Molecular consequence: frameshift variant.
Genome position (GRCh38, 1-based): chr6:137,879,167, C duplicated; the last of 4 consecutive C bases (chr6:137,879,164-137,879,167); duplicating any one gives the same sequence. VCF-style (leftmost placement, unchanged base first): chr6-137879163-G-GC. GRCh37 (hg19) VCF-style: chr6-138200300-G-GC.
Other names: c.1722dup, p.Ser575fs (NM_001270507.2, NM_006290.4); short protein forms S575fs.
Identifiers: ClinVar variation 2030275 (VCV002030275.4), dbSNP rs2482757985, ClinGen allele CA2580075129.